The following is an entry in ClinVar:

NM_014014.5(SNRNP200):c.4892T>C (p.Leu1631Pro)

Gene: SNRNP200 (small nuclear ribonucleoprotein U5 subunit 200; minus strand). Cytogenetic location: 2q11.2.
Variant type: single nucleotide variant.
Coding change: c.4892T>C on transcript NM_014014.5 (MANE Select); coding-DNA position 4892, T replaced by C.
Protein change: p.Leu1631Pro; replaces leucine 1631 with proline.
Molecular consequence: missense variant.
Genome position (GRCh38, 1-based): chr2:96,283,224, A>G on the plus strand (T>C on the coding strand, the complement: SNRNP200 is on the minus strand). VCF-style: chr2-96283224-A-G. GRCh37 (hg19) VCF-style: chr2-96948962-A-G.
Other names: short protein forms L1631P.
Identifiers: ClinVar variation 3371828 (VCV003371828.2).
Genomic context (GRCh38, chr2:96,283,224, plus strand): 5'-TACCCTTGCTATGCTCCCCTTCCGTGGCCTGACTTACCTGAGCTGAAGAGCTGCTCCACC[A>G]GGCGTCGCTCCATGGGGCTGAGCCCCTCATGCAGGTAGCCCACCCCATTTAGCAGCGTTT-3'
Protein context (NP_054733.2, residues 1621-1641): HEGLSPMERR[Leu1631Pro]VEQLFSSGAI

ClinVar aggregate classification (germline): Uncertain significance (1 of 4 stars; one submission).

Submission:

GeneDx
Classification: Uncertain significance. Last evaluated: 2025-08-15. Review status: criteria provided, single submitter. Criteria: GeneDx Variant Classification Process June 2021. Collection method: clinical testing. Allele origin: germline. Affected: yes.
Comment: Not observed at significant frequency in large population cohorts (gnomAD); In silico analysis supports that this missense variant has a deleterious effect on protein structure/function; Has not been previously published as pathogenic or benign to our knowledge